The following is an entry in ClinVar:

NM_000257.4(MYH7):c.2436G>T (p.Leu812=)

Genes: MYH7 (myosin heavy chain 7; minus strand), LOC126861898 (BRD4-independent group 4 enhancer GRCh37_chr14:23893609-23894808; plus strand). Cytogenetic location: 14q11.2.
Variant type: single nucleotide variant.
Coding change: c.2436G>T on transcript NM_000257.4 (MANE Select); coding-DNA position 2436, G replaced by T.
Protein change: p.Leu812=; no amino-acid change (leucine 812 retained).
Molecular consequence: synonymous variant.
Genome position (GRCh38, 1-based): chr14:23,425,012, C>A on the plus strand (G>T on the coding strand, the complement: MYH7 is on the minus strand). VCF-style: chr14-23425012-C-A. GRCh37 (hg19) VCF-style: chr14-23894221-C-A.
Other names: c.2436G>T, p.Leu812= (NM_001407004.1).
Identifiers: ClinVar variation 2755577 (VCV002755577.3), dbSNP rs1057524030, ClinGen allele CA485766826.

ClinVar aggregate classification (germline): Uncertain significance (1 of 4 stars; one submission).

Conditions:
Hypertrophic cardiomyopathy. Also called: HYPERTROPHIC MYOCARDIOPATHY. Identifiers: Orphanet 217569, MedGen C0007194, MeSH D002312, MONDO:0005045, HP:0001639.

Submission:

Labcorp Genetics (formerly Invitae), Labcorp
Classification: Uncertain significance for Hypertrophic cardiomyopathy. Last evaluated: 2023-09-30. Review status: criteria provided, single submitter. Criteria: Invitae Variant Classification Sherloc (09022015). Collection method: clinical testing. Allele origin: germline.
Comment: This sequence change affects codon 812 of the MYH7 mRNA. It is a 'silent' change, meaning that it does not change the encoded amino acid sequence of the MYH7 protein. This variant is not present in population databases (gnomAD no frequency). This variant has not been reported in the literature in individuals affected with MYH7-related conditions. Algorithms developed to predict the effect of sequence changes on RNA splicing suggest that this variant may create or strengthen a splice site. In summary, the available evidence is currently insufficient to determine the role of this variant in disease. Therefore, it has been classified as a Variant of Uncertain Significance.